The following is an entry in ClinVar:

NM_201384.3(PLEC):c.3526C>T (p.Arg1176Cys)

Gene: PLEC (plectin; minus strand). Cytogenetic location: 8q24.3.
Variant type: single nucleotide variant.
Coding change: c.3526C>T on transcript NM_201384.3 (MANE Select); coding-DNA position 3526, C replaced by T.
Protein change: p.Arg1176Cys; replaces arginine 1176 with cysteine.
Molecular consequence: missense variant.
Genome position (GRCh38, 1-based): chr8:143,927,640, G>A on the plus strand (C>T on the coding strand, the complement: PLEC is on the minus strand). VCF-style: chr8-143927640-G-A. GRCh37 (hg19) VCF-style: chr8-145001808-G-A.
Other names: c.3607C>T, p.Arg1203Cys (NM_000445.5); c.3484C>T, p.Arg1162Cys (NM_201378.4); c.3460C>T, p.Arg1154Cys (NM_201379.3); c.3937C>T, p.Arg1313Cys (NM_201380.4); c.3430C>T, p.Arg1144Cys (NM_201381.3); c.3526C>T, p.Arg1176Cys (NM_201382.4); c.3538C>T, p.Arg1180Cys (NM_201383.3); c.3607C>T (NM_000445.3); short protein forms R1203C, R1144C, R1154C, R1313C, R1162C, R1176C, R1180C.
Identifiers: ClinVar variation 661253 (VCV000661253.32), dbSNP rs567457709, ClinGen allele CA4927033.

ClinVar aggregate classification (germline): Uncertain significance. Review status: criteria provided, multiple submitters, no conflicts (2 of 4 stars). 3 submissions from 3 submitters: Uncertain significance (3). Last evaluated 2025-01-21.

Conditions:
Autosomal recessive limb-girdle muscular dystrophy type 2Q (LGMDR17). Also called: MUSCULAR DYSTROPHY, LIMB-GIRDLE, AUTOSOMAL RECESSIVE 17. Identifiers: Orphanet 254361, MedGen C3150989, MONDO:0013390, OMIM 613723.
Epidermolysis bullosa simplex with nail dystrophy (EBS5D). Identifiers: MedGen C4225309, MONDO:0014661, OMIM 616487.
Epidermolysis bullosa simplex 5B, with muscular dystrophy (EBS5B). Also called: Epidermolysis bullosa simplex with muscular dystrophy; EPIDERMOLYSIS BULLOSA SIMPLEX AND LIMB-GIRDLE MUSCULAR DYSTROPHY. Identifiers: Orphanet 257, MedGen C2931072, MONDO:0009181, OMIM 226670.
Epidermolysis bullosa simplex, Ogna type (EBS5A). Also called: EPIDERMOLYSIS BULLOSA SIMPLEX 5A, OGNA TYPE; Pidermolysis bullosa simplex 5A, Ogna type. Identifiers: Orphanet 79401, MedGen C0432317, MONDO:0007555, OMIM 131950.
Epidermolysis bullosa simplex 5C, with pyloric atresia (EBS5C). Also called: PLEC-Related Epidermolysis Bullosa with Pyloric Atresia; PLEC1-Related Epidermolysis Bullosa with Pyloric Atresia; Epidermolysis bullosa simplex with pyloric atresia. Identifiers: Orphanet 158684, MedGen C2677349, MONDO:0012807, OMIM 612138.
Inborn genetic diseases. Identifiers: MedGen C0950123, MeSH D030342.

Allele frequency attached by ClinVar (database versions not stated): gnomAD 0.00001 and 0.00003; TOPMed 0.00002; gnomAD exomes 0.00007 and 0.00012; ExAC 0.00025; 1000 Genomes Project 0.00040; 1000 Genomes Project 30x 0.00047.
gnomAD v4.1: 100 of 1,586,452 alleles (0.0063%); highest among the groups gnomAD compares: South Asian, 0.072%; 2 homozygotes.

Submissions (3):

Labcorp Genetics (formerly Invitae), Labcorp
Classification: Uncertain significance for Autosomal recessive limb-girdle muscular dystrophy type 2Q; Epidermolysis bullosa simplex, Ogna type; Epidermolysis bullosa simplex with nail dystrophy; Epidermolysis bullosa simplex 5C, with pyloric atresia; Epidermolysis bullosa simplex 5B, with muscular dystrophy. Last evaluated: 2025-01-21. Review status: criteria provided, single submitter. Criteria: Invitae Variant Classification Sherloc (09022015). Collection method: clinical testing. Allele origin: germline.
Comment: This sequence change replaces arginine, which is basic and polar, with cysteine, which is neutral and slightly polar, at codon 1203 of the PLEC protein (p.Arg1203Cys). This variant is present in population databases (rs567457709, gnomAD 0.06%). This variant has not been reported in the literature in individuals affected with PLEC-related conditions. ClinVar contains an entry for this variant (Variation ID: 661253). Invitae Evidence Modeling of protein sequence and biophysical properties (such as structural, functional, and spatial information, amino acid conservation, physicochemical variation, residue mobility, and thermodynamic stability) indicates that this missense variant is expected to disrupt PLEC protein function with a positive predictive value of 80%. In summary, the available evidence is currently insufficient to determine the role of this variant in disease. Therefore, it has been classified as a Variant of Uncertain Significance.

CeGaT Center for Human Genetics Tuebingen
Classification: Uncertain significance. Last evaluated: 2023-10-01. Review status: criteria provided, single submitter. Criteria: CeGaT Center For Human Genetics Tuebingen Variant Classification Criteria Version 2. Collection method: clinical testing. Allele origin: germline. Affected: yes. Observed: 1 variant allele.

Ambry Genetics
Classification: Uncertain significance for Inborn genetic diseases. Last evaluated: 2023-07-30. Review status: criteria provided, single submitter. Criteria: Ambry Variant Classification Scheme 2023. Collection method: clinical testing. Allele origin: germline.